The following is an entry in ClinVar:

NM_003072.5(SMARCA4):c.3863C>T (p.Pro1288Leu)

Gene: SMARCA4 (SWI/SNF related BAF chromatin remodeling complex subunit ATPase 4; plus strand). Cytogenetic location: 19p13.2.
Variant type: single nucleotide variant.
Coding change: c.3863C>T on transcript NM_003072.5 (MANE Select); coding-DNA position 3863, C replaced by T.
Protein change: p.Pro1288Leu; replaces proline 1288 with leucine.
Molecular consequence: missense variant. On other transcripts: intron variant (6).
Genome position (GRCh38, 1-based): chr19:11,033,855, C>T. VCF-style: chr19-11033855-C-T. GRCh37 (hg19) VCF-style: chr19-11144531-C-T.
Other names: c.3863C>T, p.Pro1288Leu (NM_001128844.3, NM_001128849.3, NM_001387283.1); c.3775-268C>T (NM_001128847.4, NM_001411150.1, NM_001374457.1 and 3 more transcripts); short protein forms P1288L.
Identifiers: ClinVar variation 3636882 (VCV003636882.2).

ClinVar aggregate classification (germline): Uncertain significance (1 of 4 stars; one submission).

Conditions:
Rhabdoid tumor predisposition syndrome 2 (RTPS2). Identifiers: Orphanet 231108, Orphanet 69077, MedGen C2750074, MONDO:0013224, OMIM 613325.

Submission:

Labcorp Genetics (formerly Invitae), Labcorp
Classification: Uncertain significance for Rhabdoid tumor predisposition syndrome 2. Last evaluated: 2024-08-19. Review status: criteria provided, single submitter. Criteria: Invitae Variant Classification Sherloc (09022015). Collection method: clinical testing. Allele origin: germline.
Comment: This sequence change replaces proline, which is neutral and non-polar, with leucine, which is neutral and non-polar, at codon 1288 of the SMARCA4 protein (p.Pro1288Leu). This variant is not present in population databases (gnomAD no frequency). This variant has not been reported in the literature in individuals affected with SMARCA4-related conditions. Invitae Evidence Modeling of protein sequence and biophysical properties (such as structural, functional, and spatial information, amino acid conservation, physicochemical variation, residue mobility, and thermodynamic stability) has been performed for this missense variant. However, the output from this modeling did not meet the statistical confidence thresholds required to predict the impact of this variant on SMARCA4 protein function. In summary, the available evidence is currently insufficient to determine the role of this variant in disease. Therefore, it has been classified as a Variant of Uncertain Significance.